The following is an entry in ClinVar:

ClinVar aggregate classification (germline): Uncertain significance (1 of 4 stars; one submission).

Conditions:
Hereditary pancreatitis (PCTT). Also called: Hereditary chronic pancreatitis; PRSS1-Related Hereditary Pancreatitis. Identifiers: Orphanet 676, MedGen C0238339, MONDO:0008185, OMIM 167800.

gnomAD v4.1: 5 of 1,614,222 alleles (0.00031%); highest among the groups gnomAD compares: African/African-American, 0.0053%; no homozygotes.

Submission:

Ambry Genetics
Classification: Uncertain significance for Hereditary pancreatitis. Last evaluated: 2024-07-28. Review status: criteria provided, single submitter. Criteria: Ambry Variant Classification Scheme 2023. Collection method: clinical testing. Allele origin: germline.
Comment: The p.N269K variant (also known as c.807C>A), located in coding exon 8 of the CPA1 gene, results from a C to A substitution at nucleotide position 807. The asparagine at codon 269 is replaced by lysine, an amino acid with similar properties. This amino acid position is conserved. In addition, this alteration is predicted to be tolerated by in silico analysis. Based on the available evidence, the clinical significance of this variant remains unclear.

NM_001868.4(CPA1):c.807C>A (p.Asn269Lys)

Gene: CPA1 (carboxypeptidase A1; plus strand). Cytogenetic location: 7q32.2.
Variant type: single nucleotide variant.
Coding change: c.807C>A on transcript NM_001868.4 (MANE Select); coding-DNA position 807, C replaced by A.
Protein change: p.Asn269Lys; replaces asparagine 269 with lysine.
Molecular consequence: missense variant.
Genome position (GRCh38, 1-based): chr7:130,385,165, C>A. VCF-style: chr7-130385165-C-A. GRCh37 (hg19) VCF-style: chr7-130025006-C-A.
Other names: short protein forms N269K.
Identifiers: ClinVar variation 3269105 (VCV003269105.2).